The following is an entry in ClinVar:

ClinVar aggregate classification (germline): Conflicting classifications of pathogenicity. Review status: criteria provided, conflicting classifications (1 of 4 stars). 2 submissions from 2 submitters: Uncertain significance (1); Benign (1). Last evaluated 2024-12-17.

Conditions:
Brugada syndrome. Also called: Sudden unexpected nocturnal death syndrome; Sudden unexplained nocturnal death syndrome; Sudden Unexplained Death Syndrome; Sudden Unexplained Nocturnal Death Syndrome (SUNDS). Identifiers: Orphanet 130, MedGen C1142166, MONDO:0015263.
Cardiovascular phenotype. Identifiers: MedGen CN230736.

Allele frequency attached by ClinVar (database versions not stated): TOPMed below 0.00001; gnomAD 0.00001 and 0.00004; gnomAD exomes 0.00004 and 0.00006; ExAC 0.00005; 1000 Genomes Project 30x 0.00016; 1000 Genomes Project 0.00020.
gnomAD v4.1: 62 of 1,604,614 alleles (0.0039%); highest among the groups gnomAD compares: South Asian, 0.047%; 2 homozygotes.

Submissions (2):

Ambry Genetics
Classification: Benign for Cardiovascular phenotype. Last evaluated: 2024-12-17. Review status: criteria provided, single submitter. Criteria: Ambry Variant Classification Scheme 2023. Collection method: clinical testing. Allele origin: germline.

Labcorp Genetics (formerly Invitae), Labcorp
Classification: Uncertain significance for Brugada syndrome. Last evaluated: 2024-01-27. Review status: criteria provided, single submitter. Criteria: Invitae Variant Classification Sherloc (09022015). Collection method: clinical testing. Allele origin: germline.
Comment: This sequence change replaces serine, which is neutral and polar, with leucine, which is neutral and non-polar, at codon 23 of the CACNA2D1 protein (p.Ser23Leu). This variant is present in population databases (rs532261094, gnomAD 0.05%). This variant has not been reported in the literature in individuals affected with CACNA2D1-related conditions. ClinVar contains an entry for this variant (Variation ID: 1518242). An algorithm developed to predict the effect of missense changes on protein structure and function (PolyPhen-2) suggests that this variant is likely to be tolerated. In summary, the available evidence is currently insufficient to determine the role of this variant in disease. Therefore, it has been classified as a Variant of Uncertain Significance.

NM_000722.4(CACNA2D1):c.68C>T (p.Ser23Leu)

Gene: CACNA2D1 (calcium voltage-gated channel auxiliary subunit alpha2delta 1; minus strand). Cytogenetic location: 7q21.11.
Variant type: single nucleotide variant.
Coding change: c.68C>T on transcript NM_000722.4 (MANE Select); coding-DNA position 68, C replaced by T.
Protein change: p.Ser23Leu; replaces serine 23 with leucine.
Molecular consequence: missense variant.
Genome position (GRCh38, 1-based): chr7:82,443,392, G>A on the plus strand (C>T on the coding strand, the complement: CACNA2D1 is on the minus strand). VCF-style: chr7-82443392-G-A. GRCh37 (hg19) VCF-style: chr7-82072708-G-A.
Other names: c.68C>T, p.Ser23Leu (NM_001302890.2, NM_001366867.1); short protein forms S23L.
Identifiers: ClinVar variation 1518242 (VCV001518242.9), dbSNP rs532261094, ClinGen allele CA4318501.
Genomic context (GRCh38, chr7:82,443,392, plus strand): 5'-GGCCGGCGCTCCCTGCCCGGCCCGCCGACTTACGTGACGGCCGAAGGGAACGGCTCCTCC[G>A]ACGAGGGGCCGATGAGCAAAGATTGGAAAAGTGTCAGAGTCAAGGCCAGCAGGCAGCCAG-3'
Protein context (NP_000713.2, residues 13-33): LFQSLLIGPS[Ser23Leu]EEPFPSAVTI